The following is an entry in ClinVar:

NM_174878.3(CLRN1):c.341_345del (p.Val114fs)

Gene: CLRN1 (clarin 1; minus strand). Cytogenetic location: 3q25.1.
Variant type: Deletion.
Coding change: c.341_345del on transcript NM_174878.3 (MANE Select); coding-DNA positions 341 to 345, 5 bases deleted (TGGGG; older notation c.341_345delTGGGG).
Protein change: p.Val114fs; shifts the reading frame from valine 114.
Molecular consequence: frameshift variant. On other transcripts: non-coding transcript variant (1).
Genome position (GRCh38, 1-based): chr3:150,941,670-150,941,674, CCCCA deleted on the plus strand (TGGGG on the coding strand, the reverse complement: CLRN1 is on the minus strand); deleting any 5 consecutive bases within chr3:150,941,670-150,941,676 gives the same sequence; the c. name uses the placement nearest the transcript's 3' end. VCF-style (leftmost placement, unchanged base first): chr3-150941669-TCCCCA-T. GRCh37 (hg19) VCF-style: chr3-150659456-TCCCCA-T.
Other names: c.341_345del, p.Val114fs (NM_001195794.1); c.513_517del, p.Gly172fs (NM_001256819.2); c.113_117del, p.Val38fs (NM_052995.2); c.341_345delTGGGG (NM_174878.3); short protein forms G172fs, V114fs, V38fs.
Identifiers: ClinVar variation 4849311 (VCV004849311.1).
Genomic context (GRCh38, chr3:150,941,669, plus strand): 5'-CTAGGGGACCATGCAGAGTTTCAAAAGGTTTTCCAAAAGCATTGTACATGAAGAAGGCTG[TCCCCA>T]CCATGGTTAACACAATAAGGATGGCAGAGAAGAGAATGACATTGACGTGGATGCTCACTG-3'

ClinVar aggregate classification (germline): Likely pathogenic (1 of 4 stars; one submission).

Conditions:
Retinitis pigmentosa 61 (RP61). Identifiers: Orphanet 791, MedGen C3280041, MONDO:0013610, OMIM 614180.
Usher syndrome type 3A (USH3A). Also called: USHER SYNDROME, TYPE IIIA. Identifiers: MedGen C5779850, MONDO:0010170, OMIM 276902.

Submission:

First Genomix Gene Laboratory, Genetic Diagnostics Department
Classification: Likely pathogenic for Retinitis pigmentosa 61; Usher syndrome type 3A. Last evaluated: 2025-06-25. Review status: criteria provided, single submitter. Criteria: ACMG Guidelines, 2015. Collection method: clinical testing. Allele origin: germline. Inheritance: Autosomal recessive inheritance. Affected: no. Observed: 1 variant allele.